The following is an entry in ClinVar:

ClinVar aggregate classification (germline): Uncertain significance (1 of 4 stars; one submission).

Conditions:
Macular dystrophy with or without extraocular features.

Submission:

Ophthalmic Genetics Group, Institute of Molecular and Clinical Ophthalmology Basel
Classification: Uncertain significance for Macular dystrophy with or without extraocular features. Last evaluated: 2024-12-17. Review status: criteria provided, single submitter. Criteria: ACMG Guidelines, 2015. Collection method: research. Allele origin: germline. Affected: yes. Observed: 1 variant allele.
Comment: This missense change affects an amino acid residue (Tyr313) that is conserved across all vertebrates, as well as all AP5M1 human paralogues, and was predicted to be deleterious with an aggregated in silico score from multiple tools of 0.84 (max = 1.00). It was classified as VUS based on ACMG criteria: PM2_mod, PP3_mod.

Literature cited by the submitters: PubMed 40081374.

NM_018229.4(AP5M1):c.938A>G (p.Tyr313Cys)

Gene: AP5M1 (adaptor related protein complex 5 subunit mu 1; plus strand). Cytogenetic location: 14q22.3.
Variant type: single nucleotide variant.
Coding change: c.938A>G on transcript NM_018229.4 (MANE Select); coding-DNA position 938, A replaced by G.
Protein change: p.Tyr313Cys; replaces tyrosine 313 with cysteine.
Molecular consequence: missense variant. On other transcripts: non-coding transcript variant (1).
Genome position (GRCh38, 1-based): chr14:57,280,412, A>G. VCF-style: chr14-57280412-A-G. GRCh37 (hg19) VCF-style: chr14-57747130-A-G.
Other names: NC_000014.8:g.57747130A>G; NP_060699.3:p.(Tyr313Cys); short protein forms Y313C.
Identifiers: ClinVar variation 3777716 (VCV003777716.1).